The following is an entry in ClinVar:

NM_001206979.2(NR1H4):c.1383C>T (p.Asn461=)

Gene: NR1H4 (nuclear receptor subfamily 1 group H member 4; plus strand). Cytogenetic location: 12q23.1.
Variant type: single nucleotide variant.
Coding change: c.1383C>T on transcript NM_001206979.2 (MANE Select); coding-DNA position 1383, C replaced by T.
Protein change: p.Asn461=; no amino-acid change (asparagine 461 retained).
Molecular consequence: synonymous variant. On other transcripts: non-coding transcript variant (1).
Genome position (GRCh38, 1-based): chr12:100,563,441, C>T. VCF-style: chr12-100563441-C-T. GRCh37 (hg19) VCF-style: chr12-100957219-C-T.
Other names: c.1383C>T, p.Asn461= (NM_001206977.2); c.1230C>T, p.Asn410= (NM_001206978.2); c.1401C>T, p.Asn467= (NM_001206992.2); c.1413C>T, p.Asn471= (NM_001206993.2); c.1371C>T, p.Asn457= (NM_005123.4).
Identifiers: ClinVar variation 4989993 (VCV004989993.1).
Genomic context (GRCh38, chr12:100,563,441, plus strand): 5'-GACTGAATTACGGACATTCAATCATCACCACGCTGAGATGCTGATGTCATGGAGAGTAAA[C>T]GACCACAAGTTTACCCCACTTCTCTGTGAAATCTGGGACGTGCAGTGATGGGGATTACAG-3'
Protein context (NP_001193908.1, residues 451-471): HAEMLMSWRV[Asn461=]DHKFTPLLCE

ClinVar aggregate classification (germline): Likely benign (1 of 4 stars; one submission).

Conditions:
NR1H4-related disorder. Also called: NR1H4-related condition.

gnomAD v4.1: 28 of 1,614,004 alleles (0.0017%); highest among the groups gnomAD compares: African/African-American, 0.02%; no homozygotes.

Submission:

PreventionGenetics, part of Exact Sciences
Classification: Likely benign for NR1H4-related condition. Last evaluated: 2026-04-22. Review status: criteria provided, single submitter. Criteria: ACMG Guidelines, 2015. Collection method: clinical testing. Allele origin: germline.
Comment: This variant is classified as likely benign based on ACMG/AMP sequence variant interpretation guidelines (Richards et al. 2015 PMID: 25741868, with internal and published modifications).